The following is an entry in ClinVar:

NM_152383.5(DIS3L2):c.1973A>C (p.Lys658Thr)

Gene: DIS3L2 (DIS3 like 3'-5' exoribonuclease 2; plus strand). Cytogenetic location: 2q37.1.
Variant type: single nucleotide variant.
Coding change: c.1973A>C on transcript NM_152383.5 (MANE Select); coding-DNA position 1973, A replaced by C.
Protein change: p.Lys658Thr; replaces lysine 658 with threonine.
Molecular consequence: missense variant. On other transcripts: non-coding transcript variant (2), intron variant (1).
Genome position (GRCh38, 1-based): chr2:232,330,739, A>C. VCF-style: chr2-232330739-A-C. GRCh37 (hg19) VCF-style: chr2-233195449-A-C.
Other names: c.1582-12606A>C (NM_001257281.2); short protein forms K658T.
Identifiers: ClinVar variation 2908930 (VCV002908930.3), dbSNP rs1695711297, ClinGen allele CA350976654.

ClinVar aggregate classification (germline): Uncertain significance (1 of 4 stars; one submission).

Conditions:
Perlman syndrome (PRLMNS). Identifiers: Orphanet 2849, MedGen C0796113, MONDO:0009965, OMIM 267000.

Allele frequency attached by ClinVar (database versions not stated): gnomAD exomes below 0.00001; TOPMed below 0.00001.
gnomAD v4.1: 1 of 1,613,490 alleles (0.000062%); highest among the groups gnomAD compares: Non-Finnish European, 0.000085%; no homozygotes.

Submission:

Labcorp Genetics (formerly Invitae), Labcorp
Classification: Uncertain significance for Perlman syndrome. Last evaluated: 2022-11-30. Review status: criteria provided, single submitter. Criteria: Invitae Variant Classification Sherloc (09022015). Collection method: clinical testing. Allele origin: germline.
Comment: In summary, the available evidence is currently insufficient to determine the role of this variant in disease. Therefore, it has been classified as a Variant of Uncertain Significance. Advanced modeling of protein sequence and biophysical properties (such as structural, functional, and spatial information, amino acid conservation, physicochemical variation, residue mobility, and thermodynamic stability) performed at Invitae indicates that this missense variant is not expected to disrupt DIS3L2 protein function. This variant has not been reported in the literature in individuals affected with DIS3L2-related conditions. This variant is not present in population databases (gnomAD no frequency). This sequence change replaces lysine, which is basic and polar, with threonine, which is neutral and polar, at codon 658 of the DIS3L2 protein (p.Lys658Thr).